The following is an entry in ClinVar:

NM_000051.4(ATM):c.902-10del

Gene: ATM (ATM serine/threonine kinase; plus strand). Cytogenetic location: 11q22.3.
Variant type: Deletion.
Coding change: c.902-10del on transcript NM_000051.4 (MANE Select); 10 bases into the intron before coding-DNA position 902, one base deleted (T; older notation c.902-10delT).
Molecular consequence: intron variant.
Genome position (GRCh38, 1-based): chr11:108,246,954, T deleted; the last of 6 consecutive T bases (chr11:108,246,949-108,246,954); deleting any one gives the same sequence. VCF-style (leftmost placement, unchanged base first): chr11-108246948-AT-A. GRCh37 (hg19) VCF-style: chr11-108117675-AT-A.
Other names: c.902-10del (NM_001351834.2).
Identifiers: ClinVar variation 924465 (VCV000924465.4), dbSNP rs1565374819, ClinGen allele CA913188361.
Genomic context (GRCh38, chr11:108,246,948, plus strand): 5'-TGAATAATTTTGTGGGAGCTAGCAGTGTAAACAGAGTACATACATAAAAATTACATTTTA[AT>A]TTTTTGGATTACAGGTGCTTATGAATCAACAAAATGGAGAAGTATTTTATACAACTTATA-3'

ClinVar aggregate classification (germline): Likely benign. Review status: criteria provided, multiple submitters, no conflicts (2 of 4 stars). 2 submissions from 2 submitters: Likely benign (2). Last evaluated 2025-03-11.

Conditions:
Familial cancer of breast. Also called: BREAST CANCER, FAMILIAL; Hereditary breast cancer; hereditary breast carcinoma. Identifiers: Orphanet 227535, MedGen C0346153, MONDO:0016419, OMIM 114480. Disease mechanism: loss of function.
Hereditary cancer-predisposing syndrome. Also called: Neoplastic Syndromes, Hereditary; Tumor predisposition; Hereditary Cancer Syndrome; Hereditary neoplastic syndrome. Identifiers: Orphanet 140162, MedGen C0027672, MeSH D009386, MONDO:0015356.

Submissions (2):

Color Diagnostics, LLC DBA Color Health
Classification: Likely benign for Hereditary cancer-predisposing syndrome. Last evaluated: 2025-03-11. Review status: criteria provided, single submitter. Criteria: ACMG Guidelines, 2015. Collection method: clinical testing. Allele origin: germline.

Myriad Genetics, Inc.
Classification: Likely benign for Familial cancer of breast. Last evaluated: 2024-04-23. Review status: criteria provided, single submitter. Criteria: Myriad Autosomal Dominant, Autosomal Recessive and X-Linked Classification Criteria (2023). Collection method: clinical testing. Allele origin: unknown.
Comment: This variant is considered likely benign. This variant is intronic and is not expected to impact mRNA splicing.